The following is an entry in ClinVar:

NM_001904.4(CTNNB1):c.1140_1147del (p.Asn380fs)

Gene: CTNNB1 (catenin beta 1; plus strand). Cytogenetic location: 3p22.1.
Variant type: Deletion.
Coding change: c.1140_1147del on transcript NM_001904.4 (MANE Select); coding-DNA positions 1140 to 1147, 8 bases deleted (CTGTCTTT; older notation c.1140_1147delCTGTCTTT).
Protein change: p.Asn380fs; shifts the reading frame from asparagine 380.
Molecular consequence: frameshift variant.
Genome position (GRCh38, 1-based): chr3:41,233,399-41,233,406, CTGTCTTT deleted. VCF-style (leftmost placement, unchanged base first): chr3-41233398-ACTGTCTTT-A. GRCh37 (hg19) VCF-style: chr3-41274889-ACTGTCTTT-A.
Other names: c.1140_1147del, p.Asn380fs (NM_001098209.2, NM_001098210.2); c.1119_1126del, p.Asn373fs (NM_001330729.2); short protein forms N373fs, N380fs.
Identifiers: ClinVar variation 817965 (VCV000817965.1), dbSNP rs1575328856, ClinGen allele CA915942440.

ClinVar aggregate classification (germline): Pathogenic (1 of 4 stars; one submission).

Submission:

GeneDx
Classification: Pathogenic. Last evaluated: 2019-01-03. Review status: criteria provided, single submitter. Criteria: GeneDx Variant Classification (06012015). Collection method: clinical testing. Allele origin: germline. Affected: yes.
Comment: The c.1140_1147delCTGTCTTT pathogenic variant in the CTNNB1 gene causes a frameshift starting with codon Asparagine 380, changes this amino acid to a Lysine residue and creates a premature Stop codon at position 12 of the new reading frame, denoted p.Asn380LysfsX12. This pathogenic variant is predicted to cause loss of normal protein function either through protein truncation or nonsense-mediated mRNA decay. The c.1140_1147delCTGTCTTT variant is not observed in large population cohorts (Lek et al., 2016).